The following is an entry in ClinVar:

NM_000057.4(BLM):c.1404T>G (p.Cys468Trp)

Gene: BLM (BLM RecQ like helicase; plus strand). Cytogenetic location: 15q26.1.
Variant type: single nucleotide variant.
Coding change: c.1404T>G on transcript NM_000057.4 (MANE Select); coding-DNA position 1404, T replaced by G.
Protein change: p.Cys468Trp; replaces cysteine 468 with tryptophan.
Molecular consequence: missense variant.
Genome position (GRCh38, 1-based): chr15:90,760,777, T>G. VCF-style: chr15-90760777-T-G. GRCh37 (hg19) VCF-style: chr15-91304007-T-G.
Other names: c.1404T>G (NM_000057.2); c.1404T>G, p.Cys468Trp (NM_001287246.2, NM_001287247.2); c.279T>G, p.Cys93Trp (NM_001287248.2); short protein forms C468W, C93W.
Identifiers: ClinVar variation 952010 (VCV000952010.8), dbSNP rs1236929438, ClinGen allele CA393842989.
Genomic context (GRCh38, chr15:90,760,777, plus strand): 5'-TTCTATGAAGGAGTTAAATTTTTCACACCTTCCCTCAAATTCTGTTTCTCCTGGGGACTG[T>G]TTACTGACTACCACCCTAGGAAAGACAGGATTCTCTGCCACCAGGAAGAATCTTTTTGAA-3'
Protein context (NP_000048.1, residues 458-478): LPSNSVSPGD[Cys468Trp]LLTTTLGKTG

ClinVar aggregate classification (germline): Uncertain significance. Review status: criteria provided, multiple submitters, no conflicts (2 of 4 stars). 2 submissions from 2 submitters: Uncertain significance (2). Last evaluated 2026-04-20.

Conditions:
Hereditary cancer-predisposing syndrome. Also called: Hereditary Cancer Syndrome; Neoplastic Syndromes, Hereditary; Tumor predisposition; Hereditary neoplastic syndrome. Identifiers: Orphanet 140162, MedGen C0027672, MeSH D009386, MONDO:0015356.
Bloom syndrome (BLM). Also called: Bloom-Torre-Machacek syndrome. Identifiers: Orphanet 125, MedGen C0005859, MONDO:0008876, OMIM 210900.

Allele frequency attached by ClinVar (database versions not stated): gnomAD exomes below 0.00001.
gnomAD v4.1: 1 of 1,614,062 alleles (0.000062%); highest among the groups gnomAD compares: Non-Finnish European, 0.000085%; no homozygotes.

Submissions (2):

Ambry Genetics
Classification: Uncertain significance for Hereditary cancer-predisposing syndrome. Last evaluated: 2026-04-20. Review status: criteria provided, single submitter. Criteria: Ambry Variant Classification Scheme 2023. Collection method: clinical testing. Allele origin: germline.
Comment: The p.C468W variant (also known as c.1404T>G), located in coding exon 6 of the BLM gene, results from a T to G substitution at nucleotide position 1404. The cysteine at codon 468 is replaced by tryptophan, an amino acid with highly dissimilar properties. This amino acid position is conserved. In addition, this alteration is predicted to be tolerated by in silico analysis. Based on the available evidence, the clinical significance of this variant remains unclear.

Labcorp Genetics (formerly Invitae), Labcorp
Classification: Uncertain significance for Bloom syndrome. Last evaluated: 2022-08-16. Review status: criteria provided, single submitter. Criteria: Invitae Variant Classification Sherloc (09022015). Collection method: clinical testing. Allele origin: germline.
Comment: This sequence change replaces cysteine, which is neutral and slightly polar, with tryptophan, which is neutral and slightly polar, at codon 468 of the BLM protein (p.Cys468Trp). This variant is not present in population databases (gnomAD no frequency). This variant has not been reported in the literature in individuals affected with BLM-related conditions. ClinVar contains an entry for this variant (Variation ID: 952010). Algorithms developed to predict the effect of missense changes on protein structure and function are either unavailable or do not agree on the potential impact of this missense change (SIFT: "Deleterious"; PolyPhen-2: "Benign"; Align-GVGD: "Class C0"). In summary, the available evidence is currently insufficient to determine the role of this variant in disease. Therefore, it has been classified as a Variant of Uncertain Significance.